The following is an entry in ClinVar:

ClinVar aggregate classification (germline): Uncertain significance. Review status: criteria provided, multiple submitters, no conflicts (2 of 4 stars). 3 submissions from 3 submitters: Uncertain significance (3). Last evaluated 2026-03-06.

Conditions:
Hereditary pheochromocytoma and paraganglioma. Also called: Hereditary paragangliomas and pheochromocytomas; Hereditary Paraganglioma-Pheochromocytoma Syndromes; Hereditary pheochromocytoma-paraganglioma. Identifiers: Orphanet 29072, MedGen C4274332, MONDO:0017366.
Hereditary cancer-predisposing syndrome. Also called: Tumor predisposition; Hereditary Cancer Syndrome; Hereditary neoplastic syndrome; Neoplastic Syndromes, Hereditary. Identifiers: Orphanet 140162, MedGen C0027672, MeSH D009386, MONDO:0015356.
Pheochromocytoma. Also called: MAX-Related Hereditary Paraganglioma-Pheochromocytoma Syndrome. Identifiers: Orphanet 29072, MedGen C0031511, MONDO:0008233, OMIM 171300, HP:0002666.
Paragangliomas with sensorineural hearing loss. Identifiers: MedGen C1868633.
Carney-Stratakis syndrome. Also called: PARAGANGLIOMA AND GASTROINTESTINAL STROMAL TUMOR. Identifiers: Orphanet 97286, MedGen C1847319, MONDO:0011740, OMIM 606864.
Cowden syndrome 3 (CWS3). Identifiers: Orphanet 201, MedGen CN166604, MONDO:0014045.

Allele frequency attached by ClinVar (database versions not stated): gnomAD exomes below 0.00001.

Submissions (3):

Ambry Genetics
Classification: Uncertain significance for Hereditary cancer-predisposing syndrome. Last evaluated: 2026-03-06. Review status: criteria provided, single submitter. Criteria: Ambry Variant Classification Scheme 2023. Collection method: clinical testing. Allele origin: germline.
Comment: The p.M91T variant (also known as c.272T>C), located in coding exon 3 of the SDHD gene, results from a T to C substitution at nucleotide position 272. The methionine at codon 91 is replaced by threonine, an amino acid with similar properties. This amino acid position is not well conserved in available vertebrate species. In addition, this alteration is predicted to be deleterious by in silico analysis. Based on the available evidence, the clinical significance of this variant remains unclear.

All of Us Research Program, National Institutes of Health
Classification: Uncertain significance for Hereditary pheochromocytoma and paraganglioma. Last evaluated: 2024-03-05. Review status: criteria provided, single submitter. Criteria: ACMG Guidelines, 2015. Collection method: clinical testing. Allele origin: germline. Inheritance: Autosomal dominant inheritance. Observed: 1 variant allele, 1 heterozygote.
Comment: This study involves interpretation of variants in research participants for the purpose of population health screening. Participant phenotype was not available at the time of variant classification. Additional details can be found in publication PMID: 35346344, PMCID: PMC8962531

Labcorp Genetics (formerly Invitae), Labcorp
Classification: Uncertain significance for Carney-Stratakis syndrome; Paragangliomas with sensorineural hearing loss; Pheochromocytoma; Cowden syndrome 3. Last evaluated: 2024-02-17. Review status: criteria provided, single submitter. Criteria: Invitae Variant Classification Sherloc (09022015). Collection method: clinical testing. Allele origin: germline.
Comment: This sequence change replaces methionine, which is neutral and non-polar, with threonine, which is neutral and polar, at codon 91 of the SDHD protein (p.Met91Thr). This variant is not present in population databases (gnomAD no frequency). This variant has not been reported in the literature in individuals affected with SDHD-related conditions. ClinVar contains an entry for this variant (Variation ID: 1964467). Advanced modeling of protein sequence and biophysical properties (such as structural, functional, and spatial information, amino acid conservation, physicochemical variation, residue mobility, and thermodynamic stability) has been performed at Invitae for this missense variant, however the output from this modeling did not meet the statistical confidence thresholds required to predict the impact of this variant on SDHD protein function. In summary, the available evidence is currently insufficient to determine the role of this variant in disease. Therefore, it has been classified as a Variant of Uncertain Significance.

NM_003002.4(SDHD):c.272T>C (p.Met91Thr)

Gene: SDHD (succinate dehydrogenase complex subunit D; plus strand). Cytogenetic location: 11q23.1.
Variant type: single nucleotide variant.
Coding change: c.272T>C on transcript NM_003002.4 (MANE Select); coding-DNA position 272, T replaced by C.
Protein change: p.Met91Thr; replaces methionine 91 with threonine.
Molecular consequence: missense variant. On other transcripts: non-coding transcript variant (1), intron variant (1).
Genome position (GRCh38, 1-based): chr11:112,088,969, T>C. VCF-style: chr11-112088969-T-C. GRCh37 (hg19) VCF-style: chr11-111959693-T-C.
Other names: c.155T>C, p.Met52Thr (NM_001276504.2); c.272T>C, p.Met91Thr (NM_001276506.2); c.169+996T>C (NM_001276503.2); c.272T>C (NM_003002.2); short protein forms M52T, M91T.
Identifiers: ClinVar variation 1964467 (VCV001964467.6), dbSNP rs1592780595, ClinGen allele CA382617354.
Genomic context (GRCh38, chr11:112,088,969, plus strand): 5'-TTGTCAGTGTTTTGCTCCTGGGTCTGCTTCCGGCTGCTTATTTGAATCCTTGCTCTGCGA[T>C]GGACTATTCCCTGGCTGCAGCCCTCACTCTTCATGGTCACTGGCAAGTATAGCAATTCCA-3'
Protein context (NP_002993.1, residues 81-101): PAAYLNPCSA[Met91Thr]DYSLAAALTL